The following is an entry in ClinVar:

ClinVar aggregate classification (germline): Uncertain significance (1 of 4 stars; one submission).

Conditions:
Nemaline myopathy 2 (NEM2). Also called: Nemaline myopathy 2, autosomal recessive. Identifiers: MedGen C1850569, MONDO:0009725, OMIM 256030.

gnomAD v4.1: 11 of 1,613,914 alleles (0.00068%); highest among the groups gnomAD compares: Non-Finnish European, 0.00093%; no homozygotes.

Submission:

Labcorp Genetics (formerly Invitae), Labcorp
Classification: Uncertain significance for Nemaline myopathy 2. Last evaluated: 2026-01-26. Review status: criteria provided, single submitter. Criteria: Invitae Variant Classification Sherloc (09022015). Collection method: clinical testing. Allele origin: germline.
Comment: This sequence change replaces asparagine, which is neutral and polar, with aspartic acid, which is acidic and polar, at codon 1404 of the NEB protein (p.Asn1404Asp). This variant is present in population databases (rs747721713, gnomAD 0.002%). This variant has not been reported in the literature in individuals affected with NEB-related conditions. Experimental studies and prediction algorithms are not available or were not evaluated, and the functional significance of this variant is currently unknown. In summary, the available evidence is currently insufficient to determine the role of this variant in disease. Therefore, it has been classified as a Variant of Uncertain Significance.

NM_001164508.2(NEB):c.4210A>G (p.Asn1404Asp)

Gene: NEB (nebulin; minus strand). Cytogenetic location: 2q23.3.
Variant type: single nucleotide variant.
Coding change: c.4210A>G on transcript NM_001164508.2 (MANE Select); coding-DNA position 4210, A replaced by G.
Protein change: p.Asn1404Asp; replaces asparagine 1404 with aspartic acid.
Molecular consequence: missense variant.
Genome position (GRCh38, 1-based): chr2:151,672,458, T>C on the plus strand (A>G on the coding strand, the complement: NEB is on the minus strand). VCF-style: chr2-151672458-T-C. GRCh37 (hg19) VCF-style: chr2-152528972-T-C.
Other names: c.4210A>G, p.Asn1404Asp (NM_001164507.2, NM_001271208.2, NM_004543.5); short protein forms N1404D.
Identifiers: ClinVar variation 4805995 (VCV004805995.1).